The following is an entry in ClinVar:

NM_031448.6(C19orf12):c.310G>A (p.Ala104Thr)

Gene: C19orf12 (chromosome 19 open reading frame 12; minus strand). Cytogenetic location: 19q12.
Variant type: single nucleotide variant.
Coding change: c.310G>A on transcript NM_031448.6 (MANE Select); coding-DNA position 310, G replaced by A.
Protein change: p.Ala104Thr; replaces alanine 104 with threonine.
Molecular consequence: missense variant. On other transcripts: intron variant (1).
Genome position (GRCh38, 1-based): chr19:29,702,828, C>T on the plus strand (G>A on the coding strand, the complement: C19orf12 is on the minus strand). VCF-style: chr19-29702828-C-T. GRCh37 (hg19) VCF-style: chr19-30193735-C-T.
Other names: c.310G>A, p.Ala104Thr (NM_001031726.4, NM_001256047.2); c.118G>A, p.Ala40Thr (NM_001282929.1, NM_001282930.3, NM_001282931.3); c.290+20G>A (NM_001256046.3); short protein forms A104T, A40T.
Identifiers: ClinVar variation 3712058 (VCV003712058.2).

ClinVar aggregate classification (germline): Uncertain significance (1 of 4 stars; one submission).

Conditions:
Hereditary spastic paraplegia 43. Also called: Spastic paraplegia 43, autosomal recessive. Identifiers: Orphanet 320370, MedGen C2680446, MONDO:0014024, OMIM 615043.

Submission:

Labcorp Genetics (formerly Invitae), Labcorp
Classification: Uncertain significance for Hereditary spastic paraplegia 43. Last evaluated: 2024-02-02. Review status: criteria provided, single submitter. Criteria: Invitae Variant Classification Sherloc (09022015). Collection method: clinical testing. Allele origin: germline.
Comment: This sequence change replaces alanine, which is neutral and non-polar, with threonine, which is neutral and polar, at codon 115 of the C19orf12 protein (p.Ala115Thr). This variant is not present in population databases (gnomAD no frequency). This variant has not been reported in the literature in individuals affected with C19orf12-related conditions. An algorithm developed to predict the effect of missense changes on protein structure and function (PolyPhen-2) suggests that this variant is likely to be tolerated. In summary, the available evidence is currently insufficient to determine the role of this variant in disease. Therefore, it has been classified as a Variant of Uncertain Significance.